The following is an entry in ClinVar:

ClinVar aggregate classification (germline): Uncertain significance. Review status: criteria provided, multiple submitters, no conflicts (2 of 4 stars). 5 submissions from 5 submitters: Uncertain significance (5). Last evaluated 2025-12-24.

Conditions:
Familial adenomatous polyposis 1 (FAP1). Also called: POLYPOSIS, ADENOMATOUS INTESTINAL; FAMILIAL ADENOMATOUS POLYPOSIS 1, ATTENUATED. Identifiers: MedGen C2713442, MONDO:0021056, OMIM 175100. Disease mechanism: loss of function.
Classic or attenuated familial adenomatous polyposis. Identifiers: MedGen CN372698, MONDO:0021057.
Hereditary cancer-predisposing syndrome. Also called: Hereditary Cancer Syndrome; Neoplastic Syndromes, Hereditary; Tumor predisposition; Hereditary neoplastic syndrome. Identifiers: Orphanet 140162, MedGen C0027672, MeSH D009386, MONDO:0015356.

Allele frequency attached by ClinVar (database versions not stated): gnomAD exomes below 0.00001; TOPMed 0.00001.
gnomAD v4.1: 1 of 1,614,052 alleles (0.000062%); highest among the groups gnomAD compares: Non-Finnish European, 0.000085%; no homozygotes.

Submissions (5):

Labcorp Genetics (formerly Invitae), Labcorp
Classification: Uncertain significance for Familial adenomatous polyposis 1. Last evaluated: 2025-12-24. Review status: criteria provided, single submitter. Criteria: Invitae Variant Classification Sherloc (09022015). Collection method: clinical testing. Allele origin: germline.
Comment: This sequence change replaces proline, which is neutral and non-polar, with serine, which is neutral and polar, at codon 1176 of the APC protein (p.Pro1176Ser). This variant is not present in population databases (gnomAD no frequency). This variant has not been reported in the literature in individuals affected with APC-related conditions. ClinVar contains an entry for this variant (Variation ID: 490265). Invitae Evidence Modeling of protein sequence and biophysical properties (such as structural, functional, and spatial information, amino acid conservation, physicochemical variation, residue mobility, and thermodynamic stability) indicates that this missense variant is not expected to disrupt APC protein function with a negative predictive value of 95%. In summary, the available evidence is currently insufficient to determine the role of this variant in disease. Therefore, it has been classified as a Variant of Uncertain Significance.

Ambry Genetics
Classification: Uncertain significance for Hereditary cancer-predisposing syndrome. Last evaluated: 2025-03-02. Review status: criteria provided, single submitter. Criteria: Ambry Variant Classification Scheme 2023. Collection method: clinical testing. Allele origin: germline.
Comment: The p.P1176S variant (also known as c.3526C>T), located in coding exon 15 of the APC gene, results from a C to T substitution at nucleotide position 3526. The proline at codon 1176 is replaced by serine, an amino acid with similar properties. Missense alterations in APC are not a common cause of disease (Spier I et al. Genet Med. 2024 Feb;26(2):100992). This amino acid position is highly conserved in available vertebrate species. In addition, in silico predictors for this gene do not accurately predict pathogenicity. Based on the available evidence, the clinical significance of this variant remains unclear.

Color Diagnostics, LLC DBA Color Health
Classification: Uncertain significance for Hereditary cancer-predisposing syndrome. Last evaluated: 2024-03-06. Review status: criteria provided, single submitter. Criteria: ACMG Guidelines, 2015. Collection method: clinical testing. Allele origin: germline.
Comment: This missense variant replaces proline with serine at codon 1176 of the APC protein. Computational prediction is inconclusive regarding the impact of this variant on protein structure and function (internally defined REVEL score threshold 0.5 < inconclusive < 0.7, PMID: 27666373). To our knowledge, functional studies have not been reported for this variant. This variant has not been reported in individuals affected with APC-related disorders in the literature. This variant has not been identified in the general population by the Genome Aggregation Database (gnomAD). The available evidence is insufficient to determine the role of this variant in disease conclusively. Therefore, this variant is classified as a Variant of Uncertain Significance.

All of Us Research Program, National Institutes of Health
Classification: Uncertain significance for Classic or attenuated familial adenomatous polyposis. Last evaluated: 2023-12-01. Review status: criteria provided, single submitter. Criteria: ACMG Guidelines, 2015. Collection method: clinical testing. Allele origin: germline. Inheritance: Autosomal dominant inheritance. Observed: 4 variant alleles, 4 heterozygotes.
Comment: This missense variant replaces proline with serine at codon 1176 of the APC protein. Computational prediction is inconclusive regarding the impact of this variant on protein structure and function (internally defined REVEL score threshold 0.5 < inconclusive < 0.7, PMID: 27666373). To our knowledge, functional studies have not been reported for this variant. This variant has not been reported in individuals affected with hereditary cancer in the literature. This variant has not been identified in the general population by the Genome Aggregation Database (gnomAD). The available evidence is insufficient to determine the role of this variant in disease conclusively. Therefore, this variant is classified as a Variant of Uncertain Significance.

This study involves interpretation of variants in research participants for the purpose of population health screening. Participant phenotype was not available at the time of variant classification. Additional details can be found in publication PMID: 35346344, PMCID: PMC8962531

Quest Diagnostics Nichols Institute San Juan Capistrano
Classification: Uncertain significance. Last evaluated: 2023-09-06. Review status: criteria provided, single submitter. Criteria: Quest Diagnostics criteria. Collection method: clinical testing. Allele origin: unknown.
Comment: To the best of our knowledge, this variant has not been reported in the published literature. It also has not been reported in large, multi-ethnic general populations (Genome Aggregation Database). Analysis of this variant using bioinformatics tools for the prediction of the effect of amino acid changes on protein structure and function yielded conflicting predictions that this variant is benign or damaging. Based on the available information, we are unable to determine the clinical significance of this variant.

NM_000038.6(APC):c.3526C>T (p.Pro1176Ser)

Gene: APC (APC regulator of Wnt signaling pathway; plus strand). Cytogenetic location: 5q22.2.
Variant type: single nucleotide variant.
Coding change: c.3526C>T on transcript NM_000038.6 (MANE Select); coding-DNA position 3526, C replaced by T.
Protein change: p.Pro1176Ser; replaces proline 1176 with serine.
Molecular consequence: missense variant.
Genome position (GRCh38, 1-based): chr5:112,839,120, C>T. VCF-style: chr5-112839120-C-T. GRCh37 (hg19) VCF-style: chr5-112174817-C-T.
Other names: c.3526C>T, p.Pro1176Ser (NM_001127510.3, NM_001354895.2); c.3472C>T, p.Pro1158Ser (NM_001127511.3); c.3580C>T, p.Pro1194Ser (NM_001354896.2); c.3556C>T, p.Pro1186Ser (NM_001354897.2); c.3451C>T, p.Pro1151Ser (NM_001354898.2); c.3442C>T, p.Pro1148Ser (NM_001354899.2); c.3403C>T, p.Pro1135Ser (NM_001354900.2); c.3349C>T, p.Pro1117Ser (NM_001354901.2); and 5 more; short protein forms P1158S, P1176S, P1075S, P1117S, P1194S, P1085S, P1135S, P1151S.
Identifiers: ClinVar variation 490265 (VCV000490265.21), dbSNP rs1554085083, ClinGen allele CA16029081.